The following is an entry in ClinVar:

ClinVar aggregate classification (germline): Uncertain significance (1 of 4 stars; one submission).

Conditions:
Familial thoracic aortic aneurysm and aortic dissection (TAAD). Also called: Thoracic aortic aneurysms and dissections. Identifiers: Orphanet 91387, MedGen C4707243, MONDO:0019625.

Submission:

Color Diagnostics, LLC DBA Color Health
Classification: Uncertain significance for Familial thoracic aortic aneurysm and aortic dissection. Last evaluated: 2025-06-09. Review status: criteria provided, single submitter. Criteria: ACMG Guidelines, 2015. Collection method: clinical testing. Allele origin: germline.
Comment: This missense variant replaces aspartic acid with glutamic acid at codon 1357 of the FBN1 protein. Computational prediction is inconclusive regarding the impact of this variant on protein structure and function. To our knowledge, functional studies have not been reported for this variant. This variant has not been reported in individuals affected with FBN1-related disorders in the literature. This variant has not been identified in the general population by the Genome Aggregation Database (gnomAD). The available evidence is insufficient to determine the role of this variant in disease conclusively. Therefore, this variant is classified as a Variant of Uncertain Significance.

NM_000138.5(FBN1):c.4071T>G (p.Asp1357Glu)

Gene: FBN1 (fibrillin 1; minus strand). Cytogenetic location: 15q21.1.
Variant type: single nucleotide variant.
Coding change: c.4071T>G on transcript NM_000138.5 (MANE Select); coding-DNA position 4071, T replaced by G.
Protein change: p.Asp1357Glu; replaces aspartic acid 1357 with glutamic acid.
Molecular consequence: missense variant.
Genome position (GRCh38, 1-based): chr15:48,474,544, A>C on the plus strand (T>G on the coding strand, the complement: FBN1 is on the minus strand). VCF-style: chr15-48474544-A-C. GRCh37 (hg19) VCF-style: chr15-48766741-A-C.
Other names: c.4071T>G, p.Asp1357Glu (NM_001406716.1); short protein forms D1357E.
Identifiers: ClinVar variation 4756913 (VCV004756913.1).